The following is an entry in ClinVar:

NM_015215.4(CAMTA1):c.4989+5G>A

Gene: CAMTA1 (calmodulin binding transcription activator 1; plus strand). Cytogenetic location: 1p36.23.
Variant type: single nucleotide variant.
Coding change: c.4989+5G>A on transcript NM_015215.4 (MANE Select); 5 bases into the intron after coding-DNA position 4989, G replaced by A.
Molecular consequence: intron variant.
Genome position (GRCh38, 1-based): chr1:7,755,673, G>A. VCF-style: chr1-7755673-G-A. GRCh37 (hg19) VCF-style: chr1-7815733-G-A.
Other names: c.4640+3140G>A (NM_001349609.2); c.4665+5G>A (NM_001349610.2); c.4619+3140G>A (NM_001410737.1); c.4547+3140G>A (NM_001410738.1); c.4899+5G>A (NM_001349608.2); c.4581+5G>A (NM_001349612.2); c.2051+3140G>A (NM_001349614.1, NM_001349615.2); c.1743+5G>A (NM_001349620.1, NM_001349619.2); and 6 more.
Identifiers: ClinVar variation 3361747 (VCV003361747.1).

ClinVar aggregate classification (germline): Uncertain significance (1 of 4 stars; one submission).

Submission:

GeneDx
Classification: Uncertain significance. Last evaluated: 2023-08-04. Review status: criteria provided, single submitter. Criteria: GeneDx Variant Classification Process June 2021. Collection method: clinical testing. Allele origin: germline. Affected: yes.
Comment: Not observed at significant frequency in large population cohorts (gnomAD); In silico analysis supports that this variant does not alter splicing; Has not been previously published as pathogenic or benign to our knowledge